The following is an entry in ClinVar:

ClinVar aggregate classification (germline): Uncertain significance (1 of 4 stars; one submission).

Conditions:
Melanoma, cutaneous malignant, susceptibility to, 5. Also called: Cutaneous malignant melanoma 5. Identifiers: Orphanet 618, MedGen C2751295, MONDO:0013133, OMIM 613099.

Allele frequency attached by ClinVar (database versions not stated): gnomAD exomes 0.00002 and 0.00003; TOPMed 0.00002; ExAC 0.00003; gnomAD 0.00003; ESP Exome Variant Server 0.00008.

Submission:

Labcorp Genetics (formerly Invitae), Labcorp
Classification: Uncertain significance for Melanoma, cutaneous malignant, susceptibility to, 5. Last evaluated: 2025-07-29. Review status: criteria provided, single submitter. Criteria: Invitae Variant Classification Sherloc (09022015). Collection method: clinical testing. Allele origin: germline.
Comment: This sequence change replaces isoleucine, which is neutral and non-polar, with valine, which is neutral and non-polar, at codon 98 of the MC1R protein (p.Ile98Val). This variant is present in population databases (rs373341896, gnomAD 0.006%). This missense change has been observed in individual(s) with melanoma (PMID: 16982779). ClinVar contains an entry for this variant (Variation ID: 940910). Invitae Evidence Modeling of protein sequence and biophysical properties (such as structural, functional, and spatial information, amino acid conservation, physicochemical variation, residue mobility, and thermodynamic stability) indicates that this missense variant is not expected to disrupt MC1R protein function with a negative predictive value of 80%. In summary, the available evidence is currently insufficient to determine the role of this variant in disease. Therefore, it has been classified as a Variant of Uncertain Significance.

Literature cited by the submitters: PubMed 16982779.

NM_002386.4(MC1R):c.292A>G (p.Ile98Val)

Gene: MC1R (melanocortin 1 receptor; plus strand). Cytogenetic location: 16q24.3.
Variant type: single nucleotide variant.
Coding change: c.292A>G on transcript NM_002386.4 (MANE Select); coding-DNA position 292, A replaced by G.
Protein change: p.Ile98Val; replaces isoleucine 98 with valine.
Molecular consequence: missense variant.
Genome position (GRCh38, 1-based): chr16:89,919,550, A>G. VCF-style: chr16-89919550-A-G. GRCh37 (hg19) VCF-style: chr16-89985958-A-G.
Other names: short protein forms I98V.
Identifiers: ClinVar variation 940910 (VCV000940910.7), dbSNP rs373341896, ClinGen allele CA8255550.
Genomic context (GRCh38, chr16:89,919,550, plus strand): 5'-TGCTGCCTGGCCTTGTCGGACCTGCTGGTGAGCGGGAGCAACGTGCTGGAGACGGCCGTC[A>G]TCCTCCTGCTGGAGGCCGGTGCACTGGTGGCCCGGGCTGCGGTGCTGCAGCAGCTGGACA-3'
Protein context (NP_002377.4, residues 88-108): SGSNVLETAV[Ile98Val]LLLEAGALVA